The following is an entry in ClinVar:

NM_023036.6(DNAI2):c.1145C>T (p.Thr382Met)

Gene: DNAI2 (dynein axonemal intermediate chain 2; plus strand). Cytogenetic location: 17q25.1.
Variant type: single nucleotide variant.
Coding change: c.1145C>T on transcript NM_023036.6 (MANE Select); coding-DNA position 1145, C replaced by T.
Protein change: p.Thr382Met; replaces threonine 382 with methionine.
Molecular consequence: missense variant. On other transcripts: non-coding transcript variant (1).
Genome position (GRCh38, 1-based): chr17:74,305,376, C>T. VCF-style: chr17-74305376-C-T. GRCh37 (hg19) VCF-style: chr17-72301515-C-T.
Other names: c.1145C>T, p.Thr382Met (NM_001172810.3, NM_001353167.2); short protein forms T382M.
Identifiers: ClinVar variation 4242940 (VCV004242940.1).

ClinVar aggregate classification (germline): Uncertain significance (1 of 4 stars; one submission).

Conditions:
Primary ciliary dyskinesia. Also called: Ciliary dyskinesia. Identifiers: Orphanet 244, MedGen C0008780, MONDO:0016575, HP:0012265.

gnomAD v4.1: 43 of 1,614,082 alleles (0.0027%); highest among the groups gnomAD compares: South Asian, 0.0077%; no homozygotes.

Submission:

Ambry Genetics
Classification: Uncertain significance for Primary ciliary dyskinesia. Last evaluated: 2025-08-03. Review status: criteria provided, single submitter. Criteria: Ambry Variant Classification Scheme 2023. Collection method: clinical testing. Allele origin: germline.
Comment: The p.T382M variant (also known as c.1145C>T), located in coding exon 8 of the DNAI2 gene, results from a C to T substitution at nucleotide position 1145. The threonine at codon 382 is replaced by methionine, an amino acid with similar properties. This amino acid position is conserved. In addition, this alteration is predicted to be deleterious by in silico analysis. Based on the available evidence, the clinical significance of this variant remains unclear.